The following is an entry in ClinVar:

ClinVar aggregate classification (germline): Benign/Likely benign. Review status: criteria provided, multiple submitters, no conflicts (2 of 4 stars). 13 submissions from 12 submitters: Benign (10); Likely benign (1). 2 of the submissions do not count toward it. Last evaluated 2026-02-04.

Conditions:
Hereditary spastic paraplegia 43. Also called: Spastic paraplegia 43, autosomal recessive. Identifiers: Orphanet 320370, MedGen C2680446, MONDO:0014024, OMIM 615043.
Neurodegeneration with brain iron accumulation 4 (NBIA4). Also called: MITOCHONDRIAL PROTEIN-ASSOCIATED NEURODEGENERATION. Identifiers: Orphanet 289560, MedGen C3280371, MONDO:0013674, OMIM 614298. Disease mechanism: loss of function.

Allele frequency attached by ClinVar (database versions not stated): 1000 Genomes Project 0.61382; 1000 Genomes Project 30x 0.62024; ExAC 0.66700; TOPMed 0.70806; gnomAD 0.71258 and 0.72163; ESP Exome Variant Server 0.75204.
gnomAD v4.1: 1,168,356 of 1,613,648 alleles (72%); highest among the groups gnomAD compares: African/African-American, 78%; 430,558 homozygotes.

Submissions (13):

Labcorp Genetics (formerly Invitae), Labcorp
Classification: Benign for Hereditary spastic paraplegia 43. Last evaluated: 2026-02-04. Review status: criteria provided, single submitter. Criteria: Invitae Variant Classification Sherloc (09022015). Collection method: clinical testing. Allele origin: germline.

Blueprint Genetics
Classification: Likely benign. Last evaluated: 2024-11-28. Review status: criteria provided, single submitter. Criteria: ACMG Guidelines, 2015. Collection method: clinical testing. Allele origin: germline.

Unidad de Genómica Garrahan, Hospital de Pediatría Garrahan
Classification: Benign. Last evaluated: 2024-07-31. Review status: criteria provided, single submitter. Criteria: ACMG Guidelines, 2015. Collection method: clinical testing. Allele origin: germline. Affected: no. Observed: 73 variant alleles.
Comment: This variant is classified as Benign based on local population frequency. This variant was detected in 78% of patients studied in a panel designed for Epileptic and Developmental Encephalopathy, Progressive Myoclonus Epilepsy and Abnormal Movements and Neurodegeneration with brain iron accumulation. Number of patients: 73. Only high quality variants are reported.

Mayo Clinic Laboratories, Mayo Clinic
Classification: Benign. Last evaluated: 2022-03-24. Review status: criteria provided, single submitter. Criteria: ACMG Guidelines, 2015. Collection method: clinical testing. Allele origin: germline. Observed: 1,010 variant alleles.

Genome-Nilou Lab
Classification: Benign for Hereditary spastic paraplegia 43. Last evaluated: 2021-07-14. Review status: criteria provided, single submitter. Criteria: ACMG Guidelines, 2015. Collection method: clinical testing. Allele origin: germline. Affected: no.

Genome-Nilou Lab
Classification: Benign for Neurodegeneration with brain iron accumulation 4. Last evaluated: 2021-07-14. Review status: criteria provided, single submitter. Criteria: ACMG Guidelines, 2015. Collection method: clinical testing. Allele origin: germline. Affected: no.

Illumina Laboratory Services, Illumina
Classification: Benign for Neurodegeneration with brain iron accumulation 4. Last evaluated: 2018-01-12. Review status: criteria provided, single submitter. Criteria: ICSL Variant Classification Criteria 13 December 2019. Collection method: clinical testing. Allele origin: germline.
Comment: This variant was observed in the ICSL laboratory as part of a predisposition screen in an ostensibly healthy population. It had not been previously curated by ICSL or reported in the Human Gene Mutation Database (HGMD: prior to June 1st, 2018), and was therefore a candidate for classification through an automated scoring system. Utilizing variant allele frequency, disease prevalence and penetrance estimates, and inheritance mode, an automated score was calculated to assess if this variant is too frequent to cause the disease. Based on the score and internal cut-off values, a variant classified as benign is not then subjected to further curation. The score for this variant resulted in a classification of benign for this disease.

GeneDx
Classification: Benign. Last evaluated: 2015-12-02. Review status: criteria provided, single submitter. Criteria: GeneDx Variant Classification (06012015). Collection method: clinical testing. Allele origin: germline. Affected: yes.
Comment: This variant is considered likely benign or benign based on one or more of the following criteria: it is a conservative change, it occurs at a poorly conserved position in the protein, it is predicted to be benign by multiple in silico algorithms, and/or has population frequency not consistent with disease.

Clinical Genetics DNA and cytogenetics Diagnostics Lab, Erasmus MC, Erasmus Medical Center
Classification: Benign for Neurodegeneration with brain iron accumulation 4. Last evaluated: 2015-09-21. Review status: criteria provided, single submitter. Criteria: ACGS Guidelines, 2013. Collection method: clinical testing. Allele origin: germline. Affected: yes. Study: VKGL Data-share Consensus.

Genetic Services Laboratory, University of Chicago
Classification: Benign for AllHighlyPenetrant. Last evaluated: 2013-08-15. Review status: criteria provided, single submitter. Criteria: ACMG Guidelines, 2007. Collection method: clinical testing. Allele origin: germline. Inheritance: Autosomal recessive inheritance.

Breakthrough Genomics
Classification: Benign. Review status: criteria provided, single submitter. Criteria: ACMG Guidelines, 2015. Collection method: not provided. Allele origin: germline. Inheritance: Autosomal recessive inheritance. Affected: yes.

Genome Diagnostics Laboratory, Amsterdam University Medical Center
Classification: Benign for Neurodegeneration with brain iron accumulation 4. Last evaluated: 2016-03-07. Review status: no assertion criteria provided. Criteria: ACGS Guidelines, 2013. Collection method: clinical testing. Allele origin: germline. Affected: yes. Study: VKGL Data-share Consensus. Not counted in ClinVar's aggregate classification.

Diagnostic Laboratory, Department of Genetics, University Medical Center Groningen
Classification: Benign for Neurodegeneration with brain iron accumulation 4. Review status: no assertion criteria provided. Collection method: clinical testing. Allele origin: germline. Affected: yes. Study: VKGL Data-share Consensus. Not counted in ClinVar's aggregate classification.

NM_031448.6(C19orf12):c.324C>T (p.Thr108=)

Gene: C19orf12 (chromosome 19 open reading frame 12; minus strand). Cytogenetic location: 19q12.
Variant type: single nucleotide variant.
Coding change: c.324C>T on transcript NM_031448.6 (MANE Select); coding-DNA position 324, C replaced by T.
Protein change: p.Thr108=; no amino-acid change (threonine 108 retained).
Molecular consequence: synonymous variant. On other transcripts: intron variant (1).
Genome position (GRCh38, 1-based): chr19:29,702,814, G>A on the plus strand (C>T on the coding strand, the complement: C19orf12 is on the minus strand). VCF-style: chr19-29702814-G-A. GRCh37 (hg19) VCF-style: chr19-30193721-G-A.
Other names: p.Thr119=; c.324C>T, p.Thr108= (NM_001031726.4, NM_001256047.2); c.132C>T, p.Thr44= (NM_001282929.1, NM_001282930.3, NM_001282931.3); c.291-22C>T (NM_001256046.3).
Identifiers: ClinVar variation 128537 (VCV000128537.26), dbSNP rs10424582, ClinGen allele CA152059.